The following is an entry in ClinVar:

NM_004656.4(BAP1):c.1526C>T (p.Ser509Leu)

Gene: BAP1 (BRCA1 associated deubiquitinase 1; minus strand). Cytogenetic location: 3p21.1.
Variant type: single nucleotide variant.
Coding change: c.1526C>T on transcript NM_004656.4 (MANE Select); coding-DNA position 1526, C replaced by T.
Protein change: p.Ser509Leu; replaces serine 509 with leucine.
Molecular consequence: missense variant.
Genome position (GRCh38, 1-based): chr3:52,403,619, G>A on the plus strand (C>T on the coding strand, the complement: BAP1 is on the minus strand). VCF-style: chr3-52403619-G-A. GRCh37 (hg19) VCF-style: chr3-52437635-G-A.
Other names: short protein forms S509L.
Identifiers: ClinVar variation 920119 (VCV000920119.12), dbSNP rs1705045724, ClinGen allele CA353100822.

ClinVar aggregate classification (germline): Uncertain significance. Review status: criteria provided, multiple submitters, no conflicts (2 of 4 stars). 4 submissions from 4 submitters: Uncertain significance (4). Last evaluated 2026-03-31.

Conditions:
BAP1-related tumor predisposition syndrome (TPDS1). Also called: Tumor susceptibility linked to germline BAP1 mutations; BAP1 tumor predisposition syndrome; COMMON Syndrome; TUMOR PREDISPOSITION SYNDROME 1. Identifiers: Orphanet 289539, MedGen C3280492, MONDO:0013692, OMIM 614327.
Hereditary cancer-predisposing syndrome. Also called: Tumor predisposition; Neoplastic Syndromes, Hereditary; Hereditary Cancer Syndrome; Hereditary neoplastic syndrome. Identifiers: Orphanet 140162, MedGen C0027672, MeSH D009386, MONDO:0015356.

Allele frequency attached by ClinVar (database versions not stated): gnomAD exomes below 0.00001.
gnomAD v4.1: 4 of 1,614,092 alleles (0.00025%); highest among the groups gnomAD compares: Non-Finnish European, 0.00034%; no homozygotes.

Submissions (4):

GeneDx
Classification: Uncertain significance. Last evaluated: 2026-03-31. Review status: criteria provided, single submitter. Criteria: GeneDx Variant Classification Process June 2021. Collection method: clinical testing. Allele origin: germline.
Comment: Published functional studies suggest this variant results in near normal protein expression and function, however additional studies are needed to validate the functional effect of this variant, if any, in vivo (PMID: 31058963, 37956408); Not observed at significant frequency in large population cohorts (gnomAD); In silico analysis suggests that this missense variant does not alter protein structure/function; This variant is associated with the following publications: (PMID: 31058963, 37956408)

Labcorp Genetics (formerly Invitae), Labcorp
Classification: Uncertain significance for BAP1-related tumor predisposition syndrome. Last evaluated: 2025-03-12. Review status: criteria provided, single submitter. Criteria: Invitae Variant Classification Sherloc (09022015). Collection method: clinical testing. Allele origin: germline.
Comment: This sequence change replaces serine, which is neutral and polar, with leucine, which is neutral and non-polar, at codon 509 of the BAP1 protein (p.Ser509Leu). This variant is not present in population databases (gnomAD no frequency). This missense change has been observed in individual(s) with uveal melanoma (PMID: 31058963). ClinVar contains an entry for this variant (Variation ID: 920119). Invitae Evidence Modeling of protein sequence and biophysical properties (such as structural, functional, and spatial information, amino acid conservation, physicochemical variation, residue mobility, and thermodynamic stability) has been performed for this missense variant. However, the output from this modeling did not meet the statistical confidence thresholds required to predict the impact of this variant on BAP1 protein function. Experimental studies have shown that this missense change does not substantially affect BAP1 function (PMID: 37956408). In summary, the available evidence is currently insufficient to determine the role of this variant in disease. Therefore, it has been classified as a Variant of Uncertain Significance.

Ambry Genetics
Classification: Uncertain significance for Hereditary cancer-predisposing syndrome. Last evaluated: 2024-05-27. Review status: criteria provided, single submitter. Criteria: Ambry Variant Classification Scheme 2023. Collection method: clinical testing. Allele origin: germline.
Comment: The p.S509L variant (also known as c.1526C>T), located in coding exon 13 of the BAP1 gene, results from a C to T substitution at nucleotide position 1526. The serine at codon 509 is replaced by leucine, an amino acid with dissimilar properties. This alteration has been identified in an individual diagnosed with a uveal melanoma (Repo P et al. Hum Mol Genet, 2019 07;28:2415-2426). This amino acid position is highly conserved in available vertebrate species. In addition, this alteration is predicted to be deleterious by in silico analysis. Based on the available evidence, the clinical significance of this variant remains unclear.

Color Diagnostics, LLC DBA Color Health
Classification: Uncertain significance for Hereditary cancer-predisposing syndrome. Last evaluated: 2019-04-30. Review status: criteria provided, single submitter. Criteria: ACMG Guidelines, 2015. Collection method: clinical testing. Allele origin: germline.

Literature cited by the submitters: PubMed 31058963 (cited by Labcorp Genetics (formerly Invitae), Labcorp and Ambry Genetics); PubMed 37956408 (cited by Labcorp Genetics (formerly Invitae), Labcorp).